The following is an entry in ClinVar:

ClinVar aggregate classification (germline): Benign (0 of 4 stars; one submission).

Conditions:
GPR75-related disorder. Also called: GPR75-related condition.

Allele frequency attached by ClinVar (database versions not stated): gnomAD 0.00265; ESP Exome Variant Server 0.00300; TOPMed 0.00323; 1000 Genomes Project 30x 0.00375; 1000 Genomes Project 0.00379.
gnomAD v4.1: 799 of 1,613,486 alleles (0.05%); highest among the groups gnomAD compares: African/African-American, 0.94%; 4 homozygotes.

Submission:

PreventionGenetics, part of Exact Sciences
Classification: Benign for GPR75-related condition. Last evaluated: 2019-05-28. Review status: no assertion criteria provided. Collection method: clinical testing. Allele origin: germline.
Comment: This variant is classified as benign based on ACMG/AMP sequence variant interpretation guidelines (Richards et al. 2015 PMID: 25741868, with internal and published modifications).

NM_006794.4(GPR75):c.1044C>A (p.Ser348Arg)

Genes: GPR75 (G protein-coupled receptor 75; minus strand), GPR75-ASB3 (GPR75-ASB3 readthrough; minus strand). Cytogenetic location: 2p16.2.
Variant type: single nucleotide variant.
Coding change: c.1044C>A on transcript NM_006794.4 (MANE Select); coding-DNA position 1044, C replaced by A.
Protein change: p.Ser348Arg; replaces serine 348 with arginine.
Molecular consequence: missense variant. On other transcripts: intron variant (1).
Genome position (GRCh38, 1-based): chr2:53,853,713, G>T on the plus strand (C>A on the coding strand, the complement: GPR75 is on the minus strand). VCF-style: chr2-53853713-G-T. GRCh37 (hg19) VCF-style: chr2-54080850-G-T.
Other names: c.101+6115C>A (NM_001164165.2); short protein forms S348R.
Identifiers: ClinVar variation 3042276 (VCV003042276.2), dbSNP rs138373994, ClinGen allele CA1657011.